The following is an entry in ClinVar:

NM_000219.6(KCNE1):c.10T>A (p.Ser4Thr)

Gene: KCNE1 (potassium voltage-gated channel subfamily E regulatory subunit 1; minus strand). Cytogenetic location: 21q22.12.
Variant type: single nucleotide variant.
Coding change: c.10T>A on transcript NM_000219.6 (MANE Select); coding-DNA position 10, T replaced by A.
Protein change: p.Ser4Thr; replaces serine 4 with threonine.
Molecular consequence: missense variant.
Genome position (GRCh38, 1-based): chr21:34,449,625, A>T on the plus strand (T>A on the coding strand, the complement: KCNE1 is on the minus strand). VCF-style: chr21-34449625-A-T. GRCh37 (hg19) VCF-style: chr21-35821923-A-T.
Other names: c.10T>A, p.Ser4Thr (NM_001127668.4, NM_001127669.4, NM_001127670.4 and 4 more transcripts); short protein forms S4T.
Identifiers: ClinVar variation 3374036 (VCV003374036.2).

Conditions:
Long QT syndrome 5 (LQT5). Identifiers: Orphanet 101016, Orphanet 768, MedGen C1867904, MONDO:0013372, OMIM 613695.

Submission:

Roden Lab, Vanderbilt University Medical Center
No classification provided (evidence only). Condition: Long QT syndrome 5. Review status: no classification provided. Collection method: in vitro. Allele origin: not applicable. Functional consequence: Effect on ion channel function.
ClinVar note: "not provided" was previously submitted as the classification for the variant. However, the classification appeared to be based only on an observation of functional data so it was converted to no classification on 2025-07-30.